The following is an entry in ClinVar:

NM_002465.4(MYBPC1):c.1820del (p.Ser607fs)

Gene: MYBPC1 (myosin binding protein C1; plus strand). Cytogenetic location: 12q23.2.
Variant type: Deletion.
Coding change: c.1820del on transcript NM_002465.4 (MANE Select); coding-DNA position 1820, one base deleted (G; older notation c.1820delG).
Protein change: p.Ser607fs; shifts the reading frame from serine 607.
Molecular consequence: frameshift variant.
Genome position (GRCh38, 1-based): chr12:101,659,724, G deleted. VCF-style (leftmost placement, unchanged base first): chr12-101659723-AG-A. GRCh37 (hg19) VCF-style: chr12-102053501-AG-A.
Other names: c.1745del, p.Ser582fs (NM_001254718.3, NM_001254719.3, NM_206820.4 and 1 more transcripts); c.1709del, p.Ser570fs (NM_001254720.3); c.1688del, p.Ser563fs (NM_001254721.3, NM_001404676.1, NM_001404678.1); c.1667del, p.Ser556fs (NM_001254722.3, NM_001404680.1); c.1706del, p.Ser569fs (NM_001254723.3); c.1820del, p.Ser607fs (NM_001404675.1, NM_206819.4); c.1610del, p.Ser537fs (NM_001404677.1, NM_001404679.1, NM_001404681.1); short protein forms S537fs, S556fs, S563fs, S569fs, S570fs, S582fs, S607fs.
Identifiers: ClinVar variation 3252187 (VCV003252187.1), dbSNP rs2547702109.
Genomic context (GRCh38, chr12:101,659,723, plus strand): 5'-ACTTCTTAGGCTATTATGGAAGGCAGTGGCCGGATAAGAACAGAATCTTACCCTGATAGC[AG>A]CACTCTGGTCATTGATATAGCTGAAAGAGATGACTCTGGTGTTTACCACATCAATCTGAA-3'

ClinVar aggregate classification (germline): Uncertain significance (1 of 4 stars; one submission).

Submission:

GeneDx
Classification: Uncertain significance. Last evaluated: 2023-12-11. Review status: criteria provided, single submitter. Criteria: GeneDx Variant Classification Process June 2021. Collection method: clinical testing. Allele origin: germline. Affected: yes.
Comment: Not observed at significant frequency in large population cohorts (gnomAD); Frameshift variant predicted to result in protein truncation or nonsense mediated decay in a gene or region of a gene for which loss of function is not a well-established mechanism of disease; Has not been previously published as pathogenic or benign to our knowledge